The following is an entry in ClinVar:

NM_001130438.3(SPTAN1):c.2700C>T (p.Asn900=)

Gene: SPTAN1 (spectrin alpha, non-erythrocytic 1; plus strand). Cytogenetic location: 9q34.11.
Variant type: single nucleotide variant.
Coding change: c.2700C>T on transcript NM_001130438.3 (MANE Select); coding-DNA position 2700, C replaced by T.
Protein change: p.Asn900=; no amino-acid change (asparagine 900 retained).
Molecular consequence: synonymous variant.
Genome position (GRCh38, 1-based): chr9:128,585,887, C>T. VCF-style: chr9-128585887-C-T. GRCh37 (hg19) VCF-style: chr9-131348166-C-T.
Other names: p.N900N:AAC>AAT; p.Asn900=; c.2700C>T, p.Asn900= (NM_001195532.2, NM_001363759.2, NM_001363765.2 and 1 more transcripts).
Identifiers: ClinVar variation 139279 (VCV000139279.95), dbSNP rs147466898, ClinGen allele CA293721.

ClinVar aggregate classification (germline): Benign/Likely benign. Review status: criteria provided, multiple submitters, no conflicts (2 of 4 stars). 7 submissions from 7 submitters: Benign (2); Likely benign (5). Last evaluated 2026-07-01.

Conditions:
Early-infantile DEE. Also called: Early infantile epileptic encephalopathy; Early infantile epileptic encephalopathy with suppression bursts; Ohtahara syndrome. Identifiers: Orphanet 1934, MedGen C0393706, MONDO:0800491.
Inborn genetic diseases. Identifiers: MedGen C0950123, MeSH D030342.
Developmental and epileptic encephalopathy, 5 (DEE5). Identifiers: Orphanet 3451, MedGen C3150731, MONDO:0013277, OMIM 613477.

Allele frequency attached by ClinVar (database versions not stated): gnomAD exomes 0.00029 and 0.00060; ExAC 0.00030; TOPMed 0.00033; gnomAD 0.00036; ESP Exome Variant Server 0.00062.
gnomAD v4.1: 944 of 1,613,848 alleles (0.058%); highest among the groups gnomAD compares: Non-Finnish European, 0.074%; 1 homozygote.

Submissions (7):

CeGaT Center for Human Genetics Tuebingen
Classification: Likely benign. Last evaluated: 2026-07-01. Review status: criteria provided, single submitter. Criteria: CeGaT Center For Human Genetics Tuebingen Variant Classification Criteria Version 2. Collection method: clinical testing. Allele origin: germline. Affected: yes. Observed: 9 variant alleles.
Comment: SPTAN1: BP4, BP7

Labcorp Genetics (formerly Invitae), Labcorp
Classification: Likely benign for Early-infantile DEE. Last evaluated: 2026-01-01. Review status: criteria provided, single submitter. Criteria: Invitae Variant Classification Sherloc (09022015). Collection method: clinical testing. Allele origin: germline.

Mayo Clinic Laboratories, Mayo Clinic
Classification: Likely benign. Last evaluated: 2025-07-11. Review status: criteria provided, single submitter. Criteria: ACMG Guidelines, 2015. Collection method: clinical testing. Allele origin: germline. Observed: 1 variant allele.
Comment: BS2, BP4, BP7

Blueprint Genetics
Classification: Likely benign. Last evaluated: 2024-10-07. Review status: criteria provided, single submitter. Criteria: ACMG Guidelines, 2015. Collection method: clinical testing. Allele origin: germline.

Genome-Nilou Lab
Classification: Benign for Developmental and epileptic encephalopathy, 5. Last evaluated: 2021-07-15. Review status: criteria provided, single submitter. Criteria: ACMG Guidelines, 2015. Collection method: clinical testing. Allele origin: germline. Affected: no.

Ambry Genetics
Classification: Likely benign for Inborn genetic diseases. Last evaluated: 2017-05-25. Review status: criteria provided, single submitter. Criteria: Ambry Variant Classification Scheme 2023. Collection method: clinical testing. Allele origin: germline.

GeneDx
Classification: Benign. Last evaluated: 2012-12-28. Review status: criteria provided, single submitter. Criteria: GeneDx Variant Classification (06012015). Collection method: clinical testing. Allele origin: germline. Affected: yes.
Comment: This variant is considered likely benign or benign based on one or more of the following criteria: it is a conservative change, it occurs at a poorly conserved position in the protein, it is predicted to be benign by multiple in silico algorithms, and/or has population frequency not consistent with disease.